The following is an entry in ClinVar:

ClinVar aggregate classification (germline): Pathogenic. Review status: reviewed by expert panel (3 of 4 stars). 3 submissions from 3 submitters: Pathogenic (1). 2 of the submissions do not count toward it. Last evaluated 2017-12-15.

Conditions:
Breast-ovarian cancer, familial, susceptibility to, 1 (BROVCA1). Also called: BRCA1 Hereditary Breast and Ovarian Cancer; OVARIAN CANCER, SUSCEPTIBILITY TO. Identifiers: Orphanet 145, MedGen C2676676, MONDO:0011450, OMIM 604370. Disease mechanism: loss of function.
Hereditary breast ovarian cancer syndrome. Also called: Breast and ovarian cancer; Hereditary breast and ovarian cancer; Hereditary breast and ovarian cancer syndrome; Hereditary breast and/or ovarian cancer syndrome; BRCA1- and BRCA2-Associated Hereditary Breast and Ovarian Cancer; Hereditary breast and ovarian cancer syndrome (HBOC). Identifiers: Orphanet 145, MedGen C0677776, MeSH D061325, MONDO:0003582. Disease mechanism: loss of function.
Hereditary cancer-predisposing syndrome. Also called: Tumor predisposition; Hereditary Cancer Syndrome; Neoplastic Syndromes, Hereditary; Hereditary neoplastic syndrome. Identifiers: Orphanet 140162, MedGen C0027672, MeSH D009386, MONDO:0015356.

Submissions (3):

Evidence-based Network for the Interpretation of Germline Mutant Alleles (ENIGMA)
Classification: Pathogenic for Breast-ovarian cancer, familial, susceptibility to, 1. Last evaluated: 2017-12-15. Review status: reviewed by expert panel. Criteria: ENIGMA BRCA1/2 Classification Criteria (2017-06-29). Collection method: curation. Allele origin: germline. Study: ENIGMA.
Comment: Variant allele predicted to encode a truncated non-functional protein.

Ambry Genetics
Classification: Pathogenic for Hereditary cancer-predisposing syndrome. Last evaluated: 2023-09-13. Review status: criteria provided, single submitter. Criteria: Ambry Variant Classification Scheme 2023. Collection method: clinical testing. Allele origin: germline. Not counted in ClinVar's aggregate classification.
Comment: The c.5328delC pathogenic mutation, located in coding exon 19 of the BRCA1 gene, results from a deletion of one nucleotide at nucleotide position 5328, causing a translational frameshift with a predicted alternate stop codon (p.T1777Qfs*16). This variant is considered to be rare based on population cohorts in the Genome Aggregation Database (gnomAD). In addition to the clinical data presented in the literature, this alteration is expected to result in loss of function by premature protein truncation or nonsense-mediated mRNA decay. As such, this alteration is interpreted as a disease-causing mutation.

Labcorp Genetics (formerly Invitae), Labcorp
Classification: Pathogenic for Hereditary breast ovarian cancer syndrome. Last evaluated: 2021-05-10. Review status: criteria provided, single submitter. Criteria: Invitae Variant Classification Sherloc (09022015). Collection method: clinical testing. Allele origin: germline. Not counted in ClinVar's aggregate classification.
Comment: For these reasons, this variant has been classified as Pathogenic. This variant has been observed in individual(s) with breast cancer (PMID: 24010542). ClinVar contains an entry for this variant (Variation ID: 232820). This variant is not present in population databases (ExAC no frequency). This sequence change creates a premature translational stop signal (p.Thr1777Glnfs*16) in the BRCA1 gene. It is expected to result in an absent or disrupted protein product. Loss-of-function variants in BRCA1 are known to be pathogenic (PMID: 20104584).

Literature cited by the submitters: PubMed 24010542 (cited by Ambry Genetics and Labcorp Genetics (formerly Invitae), Labcorp); PubMed 20104584 (cited by Labcorp Genetics (formerly Invitae), Labcorp).

NM_007294.4(BRCA1):c.5328del (p.Thr1777fs)

Gene: BRCA1 (BRCA1 DNA repair associated; minus strand). Cytogenetic location: 17q21.31.
Variant type: Deletion.
Coding change: c.5328del on transcript NM_007294.4 (MANE Select); coding-DNA position 5328, one base deleted (C; older notation c.5328delC).
Protein change: p.Thr1777fs; shifts the reading frame from threonine 1777.
Molecular consequence: frameshift variant. On other transcripts: non-coding transcript variant (1).
Genome position (GRCh38, 1-based): chr17:43,051,067, G deleted on the plus strand (C on the coding strand, the reverse complement: BRCA1 is on the minus strand); the first of 3 consecutive G bases (chr17:43,051,067-43,051,069); deleting any one gives the same sequence. VCF-style (leftmost placement, unchanged base first): chr17-43051066-TG-T. GRCh37 (hg19) VCF-style: chr17-41203083-TG-T.
Other names: c.5328delC (NM_007294.3); c.1753delC, p.Thr586Glnfs (NM_001408496.1, NM_001408497.1, NM_001408498.1 and 3 more transcripts); c.1750delC, p.Thr585Glnfs (NM_001408502.1, NM_001408503.1, NM_001408504.1); c.1747delC, p.Thr584Glnfs (NM_001408505.1); c.1690delC, p.Thr565Glnfs (NM_001408506.1); c.1687delC, p.Thr564Glnfs (NM_001408507.1); c.1678delC, p.Thr561Glnfs (NM_001408508.1); c.1675delC, p.Thr560Glnfs (NM_001408509.1); and 76 more; short protein forms T1798fs, T673fs, T1777fs, T1730fs.
Identifiers: ClinVar variation 232820 (VCV000232820.17), dbSNP rs80357751, ClinGen allele CA10580487.
Genomic context (GRCh38, chr17:43,051,066, plus strand): 5'-TCCACTATGTAAGACAAAGGCTGGTGCTGGAACTCTGGGGTTCTCCCAGGCTCTTACCTG[TG>T]GGCATGTTGGTGAAGGGCCCATAGCAACAGATTTCTAGCCCCCTGAAGATCTGGAAGAAG-3'